The following is an entry in ClinVar:

NM_001308093.3(GATA4):c.498G>A (p.Met166Ile)

Gene: GATA4 (GATA binding protein 4). Cytogenetic location: 8p23.1.
Variant type: single nucleotide variant.
Coding change: c.498G>A on transcript NM_001308093.3 (MANE Select); coding-DNA position 498, G replaced by A.
Protein change: p.Met166Ile; replaces methionine 166 with isoleucine.
Molecular consequence: missense variant. On other transcripts: intron variant (3).
Genome position (GRCh38, 1-based): chr8:11,708,810, G>A. VCF-style: chr8-11708810-G-A. GRCh37 (hg19) VCF-style: chr8-11566319-G-A.
Other names: c.498G>A, p.Met166Ile (NM_002052.5); c.-6+8032G>A (NM_001308094.2); c.-3+796G>A (NM_001374274.1); c.-3+4506G>A (NM_001374273.1); short protein forms M166I.
Identifiers: ClinVar variation 4756081 (VCV004756081.1).

ClinVar aggregate classification (germline): Uncertain significance (1 of 4 stars; one submission).

Submission:

GeneDx
Classification: Uncertain significance. Last evaluated: 2025-08-07. Review status: criteria provided, single submitter. Criteria: GeneDx Variant Classification Process June 2021. Collection method: clinical testing. Allele origin: germline. Affected: yes.
Comment: Not observed at significant frequency in large population cohorts (gnomAD); In silico analysis suggests that this missense variant does not alter protein structure/function; Has not been previously published as pathogenic or benign to our knowledge